The following is an entry in ClinVar:

NM_000038.6(APC):c.3850G>A (p.Glu1284Lys)

Gene: APC (APC regulator of Wnt signaling pathway; plus strand). Cytogenetic location: 5q22.2.
Variant type: single nucleotide variant.
Coding change: c.3850G>A on transcript NM_000038.6 (MANE Select); coding-DNA position 3850, G replaced by A.
Protein change: p.Glu1284Lys; replaces glutamic acid 1284 with lysine.
Molecular consequence: missense variant. On other transcripts: non-coding transcript variant (2).
Genome position (GRCh38, 1-based): chr5:112,839,444, G>A. VCF-style: chr5-112839444-G-A. GRCh37 (hg19) VCF-style: chr5-112175141-G-A.
Other names: c.3850G>A, p.Glu1284Lys (NM_001127510.3, NM_001354895.2, NM_001407450.1); c.3796G>A, p.Glu1266Lys (NM_001127511.3); c.3904G>A, p.Glu1302Lys (NM_001354896.2, NM_001407447.1, NM_001407448.1 and 1 more transcripts); c.3880G>A, p.Glu1294Lys (NM_001354897.2); c.3775G>A, p.Glu1259Lys (NM_001354898.2); c.3766G>A, p.Glu1256Lys (NM_001354899.2); c.3727G>A, p.Glu1243Lys (NM_001354900.2); c.3673G>A, p.Glu1225Lys (NM_001354901.2, NM_001407453.1); and 11 more; short protein forms E1124K, E1193K, E1201K, E900K, E1259K, E1277K, E1294K, E1001K.
Identifiers: ClinVar variation 3678347 (VCV003678347.2).
Genomic context (GRCh38, chr5:112,839,444, plus strand): 5'-GTAGAAGATACTCCAATATGTTTTTCAAGATGTAGTTCATTATCATCTTTGTCATCAGCT[G>A]AAGATGAAATAGGATGTAATCAGACGACACAGGAAGCAGATTCTGCTAATACCCTGCAAA-3'
Protein context (NP_000029.2, residues 1274-1294): CSSLSSLSSA[Glu1284Lys]DEIGCNQTTQ

ClinVar aggregate classification (germline): Uncertain significance (1 of 4 stars; one submission).

Conditions:
Familial adenomatous polyposis 1 (FAP1). Also called: POLYPOSIS, ADENOMATOUS INTESTINAL; FAMILIAL ADENOMATOUS POLYPOSIS 1, ATTENUATED. Identifiers: MedGen C2713442, MONDO:0021056, OMIM 175100. Disease mechanism: loss of function.

Submission:

Labcorp Genetics (formerly Invitae), Labcorp
Classification: Uncertain significance for Familial adenomatous polyposis 1. Last evaluated: 2025-01-14. Review status: criteria provided, single submitter. Criteria: Invitae Variant Classification Sherloc (09022015). Collection method: clinical testing. Allele origin: germline.
Comment: This sequence change replaces glutamic acid, which is acidic and polar, with lysine, which is basic and polar, at codon 1284 of the APC protein (p.Glu1284Lys). This variant is not present in population databases (gnomAD no frequency). This variant has not been reported in the literature in individuals affected with APC-related conditions. Invitae Evidence Modeling of protein sequence and biophysical properties (such as structural, functional, and spatial information, amino acid conservation, physicochemical variation, residue mobility, and thermodynamic stability) indicates that this missense variant is not expected to disrupt APC protein function with a negative predictive value of 95%. In summary, the available evidence is currently insufficient to determine the role of this variant in disease. Therefore, it has been classified as a Variant of Uncertain Significance.